The following is an entry in ClinVar:

ClinVar aggregate classification (germline): Pathogenic (1 of 4 stars; one submission).

Submission:

Labcorp Genetics (formerly Invitae), Labcorp
Classification: Pathogenic. Last evaluated: 2022-06-09. Review status: criteria provided, single submitter. Criteria: Invitae Variant Classification Sherloc (09022015). Collection method: clinical testing. Allele origin: germline.
Comment: For these reasons, this variant has been classified as Pathogenic. This variant has not been reported in the literature in individuals affected with TMPRSS3-related conditions. This variant is not present in population databases (gnomAD no frequency). This sequence change creates a premature translational stop signal (p.Val259Leufs*2) in the TMPRSS3 gene. It is expected to result in an absent or disrupted protein product. Loss-of-function variants in TMPRSS3 are known to be pathogenic (PMID: 16021470, 26969326).

Literature cited by the submitters: PubMed 16021470; PubMed 26969326.

NM_001256317.3(TMPRSS3):c.775_776del (p.Val259fs)

Gene: TMPRSS3 (transmembrane serine protease 3; minus strand). Cytogenetic location: 21q22.3.
Variant type: Microsatellite.
Coding change: c.775_776del on transcript NM_001256317.3 (MANE Select); coding-DNA positions 775 to 776, 2 bases deleted (GT; older notation c.775_776delGT).
Protein change: p.Val259fs; shifts the reading frame from valine 259.
Molecular consequence: frameshift variant.
Genome position (GRCh38, 1-based): chr21:42,383,039-42,383,040, AC deleted on the plus strand (GT on the coding strand, the reverse complement: TMPRSS3 is on the minus strand); deleting any 2 consecutive bases within chr21:42,383,039-42,383,043 gives the same sequence; the c. name uses the placement nearest the transcript's 3' end. VCF-style (leftmost placement, unchanged base first): chr21-42383038-AAC-A. GRCh37 (hg19) VCF-style: chr21-43803147-AAC-A.
Other names: c.775_776del, p.Val259fs (NM_024022.4, NM_032405.2); c.394_395del, p.Val132fs (NM_032404.3); short protein forms V132fs, V259fs.
Identifiers: ClinVar variation 2065963 (VCV002065963.4), dbSNP rs2517115712, ClinGen allele CA2580615211.